The following is an entry in ClinVar:

NM_001288705.3(CSF1R):c.172T>C (p.Trp58Arg)

Gene: CSF1R (colony stimulating factor 1 receptor; minus strand). Cytogenetic location: 5q32.
Variant type: single nucleotide variant.
Coding change: c.172T>C on transcript NM_001288705.3 (MANE Select); coding-DNA position 172, T replaced by C.
Protein change: p.Trp58Arg; replaces tryptophan 58 with arginine.
Molecular consequence: missense variant. On other transcripts: 5 prime UTR variant (1), non-coding transcript variant (2).
Genome position (GRCh38, 1-based): chr5:150,080,902, A>G on the plus strand (T>C on the coding strand, the complement: CSF1R is on the minus strand). VCF-style: chr5-150080902-A-G. GRCh37 (hg19) VCF-style: chr5-149460465-A-G.
Other names: c.172T>C, p.Trp58Arg (NM_001349736.2, NM_001375320.1, NM_005211.4); c.-273T>C (NM_001375321.1); short protein forms W58R.
Identifiers: ClinVar variation 3621913 (VCV003621913.2).

ClinVar aggregate classification (germline): Uncertain significance (1 of 4 stars; one submission).

gnomAD v4.1: 15 of 1,614,078 alleles (0.00093%); highest among the groups gnomAD compares: Non-Finnish European, 0.0012%; no homozygotes.

Submission:

Labcorp Genetics (formerly Invitae), Labcorp
Classification: Uncertain significance. Last evaluated: 2024-04-04. Review status: criteria provided, single submitter. Criteria: Invitae Variant Classification Sherloc (09022015). Collection method: clinical testing. Allele origin: germline.
Comment: This sequence change replaces tryptophan, which is neutral and slightly polar, with arginine, which is basic and polar, at codon 58 of the CSF1R protein (p.Trp58Arg). This variant is present in population databases (rs767283490, gnomAD 0.0009%). This variant has not been reported in the literature in individuals affected with CSF1R-related conditions. Advanced modeling of protein sequence and biophysical properties (such as structural, functional, and spatial information, amino acid conservation, physicochemical variation, residue mobility, and thermodynamic stability) performed at Invitae indicates that this missense variant is not expected to disrupt CSF1R protein function with a negative predictive value of 95%. In summary, the available evidence is currently insufficient to determine the role of this variant in disease. Therefore, it has been classified as a Variant of Uncertain Significance.